The following is an entry in ClinVar:

NM_006648.4(WNK2):c.2347G>A (p.Ala783Thr)

Gene: WNK2 (WNK lysine deficient protein kinase 2; plus strand). Cytogenetic location: 9q22.31.
Variant type: single nucleotide variant.
Coding change: c.2347G>A on transcript NM_006648.4 (MANE Select); coding-DNA position 2347, G replaced by A.
Protein change: p.Ala783Thr; replaces alanine 783 with threonine.
Molecular consequence: missense variant.
Genome position (GRCh38, 1-based): chr9:93,257,104, G>A. VCF-style: chr9-93257104-G-A. GRCh37 (hg19) VCF-style: chr9-96019386-G-A.
Other names: c.2347G>A, p.Ala783Thr (NM_001282394.3); short protein forms A783T.
Identifiers: ClinVar variation 5031907 (VCV005031907.1).

ClinVar aggregate classification (germline): Uncertain significance (1 of 4 stars; one submission).

gnomAD v4.1: 1 of 1,608,848 alleles (0.000062%); highest among the groups gnomAD compares: South Asian, 0.0011%; no homozygotes.

Submission:

Ambry Genetics
Classification: Uncertain significance. Last evaluated: 2026-08-05. Review status: criteria provided, single submitter. Criteria: Ambry Variant Classification Scheme 2023. Collection method: clinical testing. Allele origin: germline.
Comment: The p.A783T variant (also known as c.2347G>A), located in coding exon 10 of the WNK2 gene, results from a G to A substitution at nucleotide position 2347. The alanine at codon 783 is replaced by threonine, an amino acid with similar properties. This amino acid position is conserved. In addition, this alteration is predicted to be tolerated by in silico analysis. Based on the available evidence, the clinical significance of this variant remains unclear.